The following is an entry in ClinVar:

NM_004380.3(CREBBP):c.639T>C (p.Leu213=)

Gene: CREBBP (CREB binding lysine acetyltransferase; minus strand). Cytogenetic location: 16p13.3.
Variant type: single nucleotide variant.
Coding change: c.639T>C on transcript NM_004380.3 (MANE Select); coding-DNA position 639, T replaced by C.
Protein change: p.Leu213=; no amino-acid change (leucine 213 retained).
Molecular consequence: synonymous variant.
Genome position (GRCh38, 1-based): chr16:3,850,456, A>G on the plus strand (T>C on the coding strand, the complement: CREBBP is on the minus strand). VCF-style: chr16-3850456-A-G. GRCh37 (hg19) VCF-style: chr16-3900457-A-G.
Other names: c.639T>C, p.Leu213= (NM_001079846.1).
Identifiers: ClinVar variation 3030379 (VCV003030379.2), dbSNP rs1273258082, ClinGen allele CA493276610.

ClinVar aggregate classification (germline): Likely benign (0 of 4 stars; one submission).

Conditions:
CREBBP-related disorder. Also called: CREBBP-related condition; CREBBP-related disorders.

Allele frequency attached by ClinVar (database versions not stated): gnomAD exomes below 0.00001; TOPMed 0.00001; gnomAD 0.00002.
gnomAD v4.1: 4 of 1,614,110 alleles (0.00025%); highest among the groups gnomAD compares: African/African-American, 0.004%; no homozygotes.

Submission:

PreventionGenetics, part of Exact Sciences
Classification: Likely benign for CREBBP-related condition. Last evaluated: 2023-08-03. Review status: no assertion criteria provided. Collection method: clinical testing. Allele origin: germline.
Comment: This variant is classified as likely benign based on ACMG/AMP sequence variant interpretation guidelines (Richards et al. 2015 PMID: 25741868, with internal and published modifications).